The following is an entry in ClinVar:

ClinVar aggregate classification (germline): Uncertain significance. Review status: criteria provided, multiple submitters, no conflicts (2 of 4 stars). 2 submissions from 2 submitters: Uncertain significance (2). Last evaluated 2022-05-12.

Allele frequency attached by ClinVar (database versions not stated): gnomAD exomes 0.00003 and 0.00007; TOPMed 0.00004; gnomAD 0.00005 and 0.00006; ESP Exome Variant Server 0.00008; ExAC 0.00003.
gnomAD v4.1: 112 of 1,613,832 alleles (0.0069%); highest among the groups gnomAD compares: Non-Finnish European, 0.0087%; no homozygotes.

Submissions (3):

Labcorp Genetics (formerly Invitae), Labcorp
Classification: Uncertain significance. Last evaluated: 2022-05-12. Review status: criteria provided, single submitter. Criteria: Invitae Variant Classification Sherloc (09022015). Collection method: clinical testing. Allele origin: germline.
Comment: This sequence change replaces arginine, which is basic and polar, with glutamine, which is neutral and polar, at codon 854 of the HPS5 protein (p.Arg854Gln). This variant also falls at the last nucleotide of exon 17, which is part of the consensus splice site for this exon. This variant is present in population databases (rs200189057, gnomAD 0.008%). This variant has not been reported in the literature in individuals affected with HPS5-related conditions. Algorithms developed to predict the effect of missense changes on protein structure and function output the following: SIFT: "Tolerated"; PolyPhen-2: "Benign"; Align-GVGD: "Class C0". The glutamine amino acid residue is found in multiple mammalian species, which suggests that this missense change does not adversely affect protein function. Variants that disrupt the consensus splice site are a relatively common cause of aberrant splicing (PMID: 17576681, 9536098). Algorithms developed to predict the effect of sequence changes on RNA splicing suggest that this variant may disrupt the consensus splice site. In summary, the available evidence is currently insufficient to determine the role of this variant in disease. Therefore, it has been classified as a Variant of Uncertain Significance.

Breakthrough Genomics
Classification: Uncertain significance. Review status: criteria provided, single submitter. Criteria: ACMG Guidelines, 2015. Collection method: not provided. Allele origin: germline. Inheritance: Autosomal recessive inheritance. Affected: yes.

Dr. Peter K. Rogan Lab, Western University
No classification provided (evidence only). Condition: Gastric cancer. Review status: no classification provided. Collection method: in vitro. Allele origin: not applicable. Functional consequence: retained intron. Not counted in ClinVar's aggregate classification.

Literature cited by the submitters: PubMed 17576681 (cited by Labcorp Genetics (formerly Invitae), Labcorp); PubMed 9536098 (cited by Labcorp Genetics (formerly Invitae), Labcorp).

NM_181507.2(HPS5):c.2561G>A (p.Arg854Gln)

Gene: HPS5 (HPS5 biogenesis of lysosomal organelles complex 2 subunit 2; minus strand). Cytogenetic location: 11p15.1.
Variant type: single nucleotide variant.
Coding change: c.2561G>A on transcript NM_181507.2 (MANE Select); coding-DNA position 2561, G replaced by A.
Protein change: p.Arg854Gln; replaces arginine 854 with glutamine.
Molecular consequence: missense variant.
Genome position (GRCh38, 1-based): chr11:18,287,893, C>T on the plus strand (G>A on the coding strand, the complement: HPS5 is on the minus strand). VCF-style: chr11-18287893-C-T. GRCh37 (hg19) VCF-style: chr11-18309440-C-T.
Other names: c.2219G>A, p.Arg740Gln (NM_007216.4, NM_181508.2); short protein forms R740Q, R854Q.
Identifiers: ClinVar variation 1391603 (VCV001391603.7), dbSNP rs200189057, ClinGen allele CA5909826.
Genomic context (GRCh38, chr11:18,287,893, plus strand): 5'-AAAATACACAAAAAAATGCATGTGCTTTAGCTCATATAAACAATATACAGGACAACTTAC[C>T]GGGTAGCATAAACAACCAACAACGGACTATCAAAAGGAACCTCGTCATCTAGTAACTTTA-3'
Protein context (NP_852608.1, residues 844-864): DSPLLVVYAT[Arg854Gln]LYEKFGESAL